The following is an entry in ClinVar:

ClinVar aggregate classification (germline): Benign/Likely benign. Review status: criteria provided, multiple submitters, no conflicts (2 of 4 stars). 3 submissions from 3 submitters: Benign (1); Likely benign (2). Last evaluated 2025-10-22.

Conditions:
Renal cell carcinoma. Identifiers: Orphanet 217071, MedGen C0007134, MeSH D002292, MONDO:0005086, HP:0005584.
Hereditary cancer-predisposing syndrome. Also called: Hereditary Cancer Syndrome; Hereditary neoplastic syndrome; Neoplastic Syndromes, Hereditary; Tumor predisposition. Identifiers: Orphanet 140162, MedGen C0027672, MeSH D009386, MONDO:0015356.
Papillary renal cell carcinoma type 1 (RCCP1). Also called: Renal adenocarcinoma; Renal cell carcinoma 1; Renal cell carcinoma, somatic; RENAL CELL CARCINOMA, PAPILLARY, 1, SOMATIC. Identifiers: Orphanet 47044, MedGen C1336839, OMIM 605074, HP:0011797.

Allele frequency attached by ClinVar (database versions not stated): gnomAD 0.00001; gnomAD exomes 0.00001; TOPMed 0.00001; ExAC 0.00002; ESP Exome Variant Server 0.00008.
gnomAD v4.1: 10 of 1,614,008 alleles (0.00062%); highest among the groups gnomAD compares: Non-Finnish European, 0.00085%; no homozygotes.

Submissions (3):

Labcorp Genetics (formerly Invitae), Labcorp
Classification: Likely benign for Renal cell carcinoma. Last evaluated: 2025-10-22. Review status: criteria provided, single submitter. Criteria: Invitae Variant Classification Sherloc (09022015). Collection method: clinical testing. Allele origin: germline.

Myriad Genetics, Inc.
Classification: Benign for Papillary renal cell carcinoma type 1. Last evaluated: 2024-11-07. Review status: criteria provided, single submitter. Criteria: Myriad Autosomal Dominant, Autosomal Recessive and X-Linked Classification Criteria (2023). Collection method: clinical testing. Allele origin: unknown.
Comment: This variant is considered benign. This variant is a silent/synonymous amino acid change and it is not expected to impact splicing.

Ambry Genetics
Classification: Likely benign for Hereditary cancer-predisposing syndrome. Last evaluated: 2021-03-01. Review status: criteria provided, single submitter. Criteria: Ambry Variant Classification Scheme 2023. Collection method: clinical testing. Allele origin: germline.

NM_000245.4(MET):c.1365T>G (p.Leu455=)

Gene: MET (MET proto-oncogene, receptor tyrosine kinase; plus strand). Cytogenetic location: 7q31.2.
Variant type: single nucleotide variant.
Coding change: c.1365T>G on transcript NM_000245.4 (MANE Select); coding-DNA position 1365, T replaced by G.
Protein change: p.Leu455=; no amino-acid change (leucine 455 retained).
Molecular consequence: synonymous variant.
Genome position (GRCh38, 1-based): chr7:116,731,832, T>G. VCF-style: chr7-116731832-T-G. GRCh37 (hg19) VCF-style: chr7-116371886-T-G.
Other names: c.1365T>G, p.Leu455= (NM_001127500.3, NM_001324401.3); c.75T>G, p.Leu25= (NM_001324402.2).
Identifiers: ClinVar variation 454183 (VCV000454183.14), dbSNP rs369639118, ClinGen allele CA4448139.